The following is an entry in ClinVar:

NM_181552.4(CUX1):c.82G>C (p.Glu28Gln)

Gene: CUX1 (cut like homeobox 1; plus strand). Cytogenetic location: 7q22.1.
Variant type: single nucleotide variant.
Coding change: c.82G>C on transcript NM_181552.4 (MANE Select); coding-DNA position 82, G replaced by C.
Protein change: p.Glu28Gln; replaces glutamic acid 28 with glutamine.
Molecular consequence: missense variant. On other transcripts: intron variant (1).
Genome position (GRCh38, 1-based): chr7:101,916,166, G>C. VCF-style: chr7-101916166-G-C. GRCh37 (hg19) VCF-style: chr7-101559446-G-C.
Other names: c.115G>C, p.Glu39Gln (NM_001202543.2, NM_001202544.3, NM_001202545.3 and 2 more transcripts); c.63+100073G>C (NM_001202546.3); short protein forms E28Q, E39Q.
Identifiers: ClinVar variation 3901786 (VCV003901786.1).

ClinVar aggregate classification (germline): Uncertain significance (1 of 4 stars; one submission).

Submission:

GeneDx
Classification: Uncertain significance. Last evaluated: 2024-12-03. Review status: criteria provided, single submitter. Criteria: GeneDx Variant Classification Process June 2021. Collection method: clinical testing. Allele origin: germline. Affected: yes.
Comment: Not observed at significant frequency in large population cohorts (gnomAD); In silico analysis indicates that this missense variant does not alter protein structure/function; Has not been previously published as pathogenic or benign to our knowledge